The following is an entry in ClinVar:

ClinVar aggregate classification (germline): Uncertain significance (1 of 4 stars; one submission).

Conditions:
Arrhythmogenic right ventricular dysplasia 8 (ARVD8). Also called: Arrhythmogenic Right Ventricular Dysplasia/Cardiomyopathy 8; ARRHYTHMOGENIC RIGHT VENTRICULAR DYSPLASIA, FAMILIAL, 8; ARRHYTHMOGENIC RIGHT VENTRICULAR CARDIOMYOPATHY 8. Identifiers: MedGen C1843896, MONDO:0011831, OMIM 607450.
Arrhythmogenic cardiomyopathy with wooly hair and keratoderma. Also called: PALMOPLANTAR KERATODERMA WITH LEFT VENTRICULAR CARDIOMYOPATHY AND WOOLLY HAIR; Arrhythmogenic cardiomyopathy with woolly hair and keratoderma; Carvajal syndrome; Dilated cardiomyopathy with woolly hair and keratoderma. Identifiers: Orphanet 65282, MedGen C1854063, MONDO:0011581, OMIM 605676.

Submission:

Labcorp Genetics (formerly Invitae), Labcorp
Classification: Uncertain significance for Arrhythmogenic cardiomyopathy with wooly hair and keratoderma; Arrhythmogenic right ventricular dysplasia 8. Last evaluated: 2025-02-23. Review status: criteria provided, single submitter. Criteria: Invitae Variant Classification Sherloc (09022015). Collection method: clinical testing. Allele origin: germline.
Comment: This sequence change replaces serine, which is neutral and polar, with leucine, which is neutral and non-polar, at codon 313 of the DSP protein (p.Ser313Leu). Information on the frequency of this variant in the gnomAD database is not available, as this variant may be reported differently in the database. This variant has not been reported in the literature in individuals affected with DSP-related conditions. An algorithm developed to predict the effect of missense changes on protein structure and function (PolyPhen-2) suggests that this variant is likely to be disruptive. In summary, the available evidence is currently insufficient to determine the role of this variant in disease. Therefore, it has been classified as a Variant of Uncertain Significance.

NM_004415.4(DSP):c.937_938delinsCT (p.Ser313Leu)

Gene: DSP (desmoplakin; plus strand). Cytogenetic location: 6p24.3.
Variant type: Indel.
Coding change: c.937_938delinsCT on transcript NM_004415.4 (MANE Select); coding-DNA positions 937 to 938, TC replaced by CT.
Protein change: p.Ser313Leu; replaces serine 313 with leucine.
Molecular consequence: missense variant.
Genome position (GRCh38, 1-based): chr6:7,565,518-7,565,519, TC replaced by CT. VCF-style: chr6-7565518-TC-CT. GRCh37 (hg19) VCF-style: chr6-7565751-TC-CT.
Other names: c.937_938delinsCT, p.Ser313Leu (NM_001008844.3, NM_001319034.2, NM_001406591.1); short protein forms S313L.
Identifiers: ClinVar variation 4784255 (VCV004784255.1).